The following is an entry in ClinVar:

NM_014363.6(SACS):c.8716C>T (p.Arg2906Ter)

Gene: SACS (sacsin molecular chaperone; minus strand). Cytogenetic location: 13q12.12.
Variant type: single nucleotide variant.
Coding change: c.8716C>T on transcript NM_014363.6 (MANE Select); coding-DNA position 8716, C replaced by T.
Protein change: p.Arg2906Ter; replaces arginine 2906 with a stop codon.
Molecular consequence: nonsense.
Genome position (GRCh38, 1-based): chr13:23,335,160, G>A on the plus strand (C>T on the coding strand, the complement: SACS is on the minus strand). VCF-style: chr13-23335160-G-A. GRCh37 (hg19) VCF-style: chr13-23909299-G-A.
Other names: c.8275C>T, p.Arg2759Ter (NM_001278055.2); c.8716C>T (NM_014363.4); short protein forms R2906*, R2759*.
Identifiers: ClinVar variation 1027860 (VCV001027860.24), dbSNP rs750732115, ClinGen allele CA6910728.

ClinVar aggregate classification (germline): Pathogenic/Likely pathogenic. Review status: criteria provided, multiple submitters, no conflicts (2 of 4 stars). 9 submissions from 9 submitters: Pathogenic (7); Likely pathogenic (1). 1 of the submissions does not count toward it. Last evaluated 2024-03-16.

Conditions:
Spastic paraplegia. Identifiers: MedGen C0037772, HP:0001258.
Charcot-Marie-Tooth disease. Also called: Charcot-Marie-Tooth Hereditary Neuropathy; Charcot-Marie-Tooth Neuropathy. Identifiers: Orphanet 166, MedGen C0007959, MONDO:0015626.
Charlevoix-Saguenay spastic ataxia (SACS). Also called: SPASTIC ATAXIA 6, AUTOSOMAL RECESSIVE; Spastic ataxia of Charlevoix-Saguenay; AUTOSOMAL RECESSIVE SPASTIC ATAXIA OF CHARLEVOIX-SAGUENAY. Identifiers: Orphanet 98, MedGen C1849140, MONDO:0010041, OMIM 270550.

Allele frequency attached by ClinVar (database versions not stated): gnomAD exomes 0.00001; TOPMed 0.00001; ExAC 0.00002; gnomAD 0.00002.

Submissions (9):

Baylor Genetics
Classification: Pathogenic for Charlevoix-Saguenay spastic ataxia. Last evaluated: 2024-03-16. Review status: criteria provided, single submitter. Criteria: ACMG Guidelines, 2015. Collection method: clinical testing. Allele origin: unknown.

Labcorp Genetics (formerly Invitae), Labcorp
Classification: Pathogenic for Spastic paraplegia. Last evaluated: 2023-09-06. Review status: criteria provided, single submitter. Criteria: Invitae Variant Classification Sherloc (09022015). Collection method: clinical testing. Allele origin: germline.
Comment: This variant has not been reported in the literature in individuals affected with SACS-related conditions. For these reasons, this variant has been classified as Pathogenic. This variant disrupts a region of the SACS protein in which other variant(s) (p.Tyr4538*) have been determined to be pathogenic (Invitae). This suggests that this is a clinically significant region of the protein, and that variants that disrupt it are likely to be disease-causing. ClinVar contains an entry for this variant (Variation ID: 1027860). This variant is present in population databases (rs750732115, gnomAD 0.006%). This sequence change creates a premature translational stop signal (p.Arg2906*) in the SACS gene. While this is not anticipated to result in nonsense mediated decay, it is expected to disrupt the last 1674 amino acid(s) of the SACS protein.

3billion
Classification: Pathogenic for Charlevoix-Saguenay spastic ataxia. Last evaluated: 2023-02-23. Review status: criteria provided, single submitter. Criteria: ACMG Guidelines, 2015. Collection method: clinical testing. Allele origin: unknown. Affected: yes.
Comment: The variant is observed at an extremely low frequency in the gnomAD v2.1.1 dataset (total allele frequency: 0.001%). This variant was predicted to result in a loss or disruption of normal protein function through protein truncation. The predicted truncated protein may be shortened by more than 10%. The variant has been reported at least twice as pathogenic with clinical assertions and evidence for the classification (ClinVar ID: VCV001027860 / PMID: 34758253). Therefore, this variant is classified as Pathogenic according to the recommendation of ACMG/AMP guideline.

Women's Health and Genetics/Laboratory Corporation of America, LabCorp
Classification: Pathogenic for Charlevoix-Saguenay spastic ataxia. Last evaluated: 2023-02-08. Review status: criteria provided, single submitter. Criteria: LabCorp Variant Classification Summary - May 2015. Collection method: clinical testing. Allele origin: germline.
Comment: Variant summary: SACS c.8716C>T (p.Arg2906X) results in a premature termination codon, predicted to cause a truncation of the encoded protein or absence of the protein due to nonsense mediated decay, which are commonly known mechanisms for disease. Truncations downstream of this position have been reported in association with Autosomal Recessive Spastic Ataxia Of Charlevoix-Saguenay in the HGMD database. The variant allele was found at a frequency of 1.2e-05 in 250936 control chromosomes. c.8716C>T has been reported in the literature as a homozygous genotype in at-least one individual affected with Autosomal Recessive Spastic Ataxia Of Charlevoix-Saguenay (example, PMID: 35731353). Five clinical diagnostic laboratories have submitted clinical-significance assessments for this variant to ClinVar after 2014 without evidence for independent evaluation. All laboratories classified the variant as pathogenic. Based on the evidence outlined above, the variant was classified as pathogenic.

Genome-Nilou Lab
Classification: Pathogenic for Charlevoix-Saguenay spastic ataxia. Last evaluated: 2021-09-05. Review status: criteria provided, single submitter. Criteria: ACMG Guidelines, 2015. Collection method: clinical testing. Allele origin: germline. Affected: no.

Medical Genetics Laboratory, Tarbiat Modares University
Classification: Pathogenic for Charlevoix-Saguenay spastic ataxia. Last evaluated: 2020-03-01. Review status: criteria provided, single submitter. Criteria: ACMG Guidelines, 2015. Collection method: clinical testing. Allele origin: inherited. Inheritance: Autosomal recessive inheritance. Affected: yes. Observed: 1 variant allele, 1 homozygote.

Genetic Services Laboratory, University of Chicago
Classification: Pathogenic. Last evaluated: 2019-08-01. Review status: criteria provided, single submitter. Criteria: ACMG Guidelines, 2015. Collection method: clinical testing. Allele origin: germline. Affected: yes.
Comment: DNA sequence analysis of the SACS gene demonstrated the pathogenic sequence change, c.8716C>T, which results in the creation of a premature stop codon at amino acid position 2906, p.Arg2906*. This pathogenic sequence change is predicted to result in an abnormal transcript, which may be degraded, or may lead to the production of a truncated SACS protein with potentially abnormal function. This pathogenic sequence change has not been described in a patient with SACS-related ataxia. This sequence change has been described in the gnomAD database with a low population frequency of 0.0012% (rs750732115).

Cambridge Genomics Laboratory, East Genomic Laboratory Hub, NHS Genomic Medicine Service
Classification: Likely pathogenic for Charcot-Marie-Tooth disease. Last evaluated: 2019-05-28. Review status: criteria provided, single submitter. Criteria: ACGS Best Practice Guidelines for Variant Classification in Rare Disease 2020. Collection method: clinical testing. Allele origin: germline. Affected: yes. Observed: 1 variant allele.

Genomics England Pilot Project, Genomics England
Classification: Likely pathogenic for Charlevoix-Saguenay spastic ataxia. Review status: no assertion criteria provided. Criteria: ACGS Guidelines, 2016. Collection method: clinical testing. Allele origin: germline. Affected: yes. Not counted in ClinVar's aggregate classification.

Literature cited by the submitters: PubMed 34758253 (cited by 3billion); PubMed 35731353 (cited by Women's Health and Genetics/Laboratory Corporation of America, LabCorp).